The following is an entry in ClinVar:

NM_001113378.2(FANCI):c.1A>G (p.Met1Val)

Gene: FANCI (FA complementation group I; plus strand). Cytogenetic location: 15q26.1.
Variant type: single nucleotide variant.
Coding change: c.1A>G on transcript NM_001113378.2 (MANE Select); coding-DNA position 1, A replaced by G.
Protein change: p.Met1Val; changes the start codon (methionine 1).
Molecular consequence: missense variant, initiator codon variant. On other transcripts: 5 prime UTR variant (1).
Genome position (GRCh38, 1-based): chr15:89,247,648, A>G. VCF-style: chr15-89247648-A-G. GRCh37 (hg19) VCF-style: chr15-89790879-A-G.
Other names: c.-274A>G (NM_001376910.1); c.1A>G, p.Met1Val (NM_001376911.1, NM_018193.3); short protein forms M1V.
Identifiers: ClinVar variation 1022962 (VCV001022962.7), dbSNP rs781249928, ClinGen allele CA7722460.

ClinVar aggregate classification (germline): Uncertain significance. Review status: criteria provided, multiple submitters, no conflicts (2 of 4 stars). 2 submissions from 2 submitters: Uncertain significance (2). Last evaluated 2021-09-16.

Conditions:
Fanconi anemia (FA). Also called: Fanconi's anemia. Identifiers: Orphanet 84, MedGen C0015625, MeSH D005199, MONDO:0019391.
Fanconi anemia complementation group I (FANCI). Also called: FANCI-Related Fanconi Anemia. Identifiers: Orphanet 84, MedGen C1836861, MONDO:0012186, OMIM 609053.

Allele frequency attached by ClinVar (database versions not stated): gnomAD exomes below 0.00001 and 0.00001; ExAC 0.00001.

Submissions (2):

Fulgent Genetics
Classification: Uncertain significance for Fanconi anemia complementation group I. Last evaluated: 2021-09-16. Review status: criteria provided, single submitter. Criteria: ACMG Guidelines, 2015. Collection method: clinical testing. Allele origin: unknown.

Labcorp Genetics (formerly Invitae), Labcorp
Classification: Uncertain significance for Fanconi anemia. Last evaluated: 2021-08-27. Review status: criteria provided, single submitter. Criteria: Invitae Variant Classification Sherloc (09022015). Collection method: clinical testing. Allele origin: germline.
Comment: This sequence change affects the initiator methionine of the FANCI mRNA. The next in-frame methionine is located at codon 94. This variant is present in population databases (rs781249928, ExAC 0.001%). Disruption of the initiator codon has been observed in individual(s) with Fanconi anemia (PMID: 17452773). In summary, the available evidence is currently insufficient to determine the role of this variant in disease. Therefore, it has been classified as a Variant of Uncertain Significance.

Literature cited by the submitters: PubMed 17452773 (cited by Labcorp Genetics (formerly Invitae), Labcorp).